The following is an entry in ClinVar:

NM_032119.4(ADGRV1):c.9953G>A (p.Gly3318Asp)

Gene: ADGRV1 (adhesion G protein-coupled receptor V1; plus strand). Cytogenetic location: 5q14.3.
Variant type: single nucleotide variant.
Coding change: c.9953G>A on transcript NM_032119.4 (MANE Select); coding-DNA position 9953, G replaced by A.
Protein change: p.Gly3318Asp; replaces glycine 3318 with aspartic acid.
Molecular consequence: missense variant. On other transcripts: non-coding transcript variant (1).
Genome position (GRCh38, 1-based): chr5:90,725,132, G>A. VCF-style: chr5-90725132-G-A. GRCh37 (hg19) VCF-style: chr5-90020949-G-A.
Other names: short protein forms G3318D.
Identifiers: ClinVar variation 1054084 (VCV001054084.6), dbSNP rs752777461, ClinGen allele CA360402909.

ClinVar aggregate classification (germline): Uncertain significance (1 of 4 stars; one submission).

Allele frequency attached by ClinVar (database versions not stated): TOPMed 0.00001; gnomAD 0.00001.

Submission:

Labcorp Genetics (formerly Invitae), Labcorp
Classification: Uncertain significance. Last evaluated: 2022-01-06. Review status: criteria provided, single submitter. Criteria: Invitae Variant Classification Sherloc (09022015). Collection method: clinical testing. Allele origin: germline.
Comment: This sequence change replaces glycine, which is neutral and non-polar, with aspartic acid, which is acidic and polar, at codon 3318 of the ADGRV1 protein (p.Gly3318Asp). This variant is not present in population databases (gnomAD no frequency). This variant has not been reported in the literature in individuals affected with ADGRV1-related conditions. ClinVar contains an entry for this variant (Variation ID: 1054084). Algorithms developed to predict the effect of missense changes on protein structure and function output the following: SIFT: "Tolerated"; PolyPhen-2: "Benign"; Align-GVGD: "Class C0". The aspartic acid amino acid residue is found in multiple mammalian species, which suggests that this missense change does not adversely affect protein function. In summary, the available evidence is currently insufficient to determine the role of this variant in disease. Therefore, it has been classified as a Variant of Uncertain Significance.